The following is an entry in ClinVar:

NM_017534.6(MYH2):c.4361A>G (p.Asn1454Ser)

Genes: MYHAS (myosin heavy chain gene cluster antisense RNA; plus strand), MYH2 (myosin heavy chain 2; minus strand), LOC126862500 (BRD4-independent group 4 enhancer GRCh37_chr17:10427829-10429028; plus strand). Cytogenetic location: 17p13.1.
Variant type: single nucleotide variant.
Coding change: c.4361A>G on transcript NM_017534.6 (MANE Select); coding-DNA position 4361, A replaced by G.
Protein change: p.Asn1454Ser; replaces asparagine 1454 with serine.
Molecular consequence: missense variant.
Genome position (GRCh38, 1-based): chr17:10,525,703, T>C on the plus strand (A>G on the coding strand, the complement: MYH2 is on the minus strand). VCF-style: chr17-10525703-T-C. GRCh37 (hg19) VCF-style: chr17-10429020-T-C.
Other names: c.4361A>G, p.Asn1454Ser (NM_001100112.2); short protein forms N1454S.
Identifiers: ClinVar variation 1469329 (VCV001469329.6), dbSNP rs371923594, ClinGen allele CA8390657.
Genomic context (GRCh38, chr17:10,525,703, plus strand): 5'-TGCAAAGACAAAAGAGTAGAGTAAAGAGCAGAAGATGCTGGAGGAATTACCTTATCGAAG[T>C]TCCTTTGCTTTTTGTCAAGGGCGGCACAGGCGGCATTTGTCCTCTCCACATCAAGCATGA-3'
Protein context (NP_060004.3, residues 1444-1464): ACAALDKKQR[Asn1454Ser]FDKILAEWKQ

ClinVar aggregate classification (germline): Uncertain significance (1 of 4 stars; one submission).

Conditions:
Myopathy, proximal, and ophthalmoplegia (CMYO6). Also called: CONGENITAL MYOPATHY 6 WITH OPHTHALMOPLEGIA; INCLUSION BODY MYOPATHY 3, AUTOSOMAL DOMINANT; MYOPATHY WITH CONGENITAL JOINT CONTRACTURES, OPHTHALMOPLEGIA, AND RIMMED VACUOLES. Identifiers: Orphanet 363677, Orphanet 79091, MedGen C1854106, MONDO:0011577, OMIM 605637.

Allele frequency attached by ClinVar (database versions not stated): gnomAD exomes below 0.00001; ExAC 0.00001; gnomAD 0.00006; TOPMed 0.00007; ESP Exome Variant Server 0.00015.
gnomAD v4.1: 10 of 1,613,992 alleles (0.00062%); highest among the groups gnomAD compares: African/African-American, 0.013%; no homozygotes.

Submission:

Labcorp Genetics (formerly Invitae), Labcorp
Classification: Uncertain significance for Myopathy, proximal, and ophthalmoplegia. Last evaluated: 2021-11-28. Review status: criteria provided, single submitter. Criteria: Invitae Variant Classification Sherloc (09022015). Collection method: clinical testing. Allele origin: germline.
Comment: In summary, the available evidence is currently insufficient to determine the role of this variant in disease. Therefore, it has been classified as a Variant of Uncertain Significance. Algorithms developed to predict the effect of missense changes on protein structure and function (SIFT, PolyPhen-2, Align-GVGD) all suggest that this variant is likely to be disruptive. This variant has not been reported in the literature in individuals affected with MYH2-related conditions. This variant is present in population databases (rs371923594, gnomAD 0.01%). This sequence change replaces asparagine, which is neutral and polar, with serine, which is neutral and polar, at codon 1454 of the MYH2 protein (p.Asn1454Ser).